The following is an entry in ClinVar:

NM_001130438.3(SPTAN1):c.5425A>T (p.Lys1809Ter)

Gene: SPTAN1 (spectrin alpha, non-erythrocytic 1; plus strand). Cytogenetic location: 9q34.11.
Variant type: single nucleotide variant.
Coding change: c.5425A>T on transcript NM_001130438.3 (MANE Select); coding-DNA position 5425, A replaced by T.
Protein change: p.Lys1809Ter; replaces lysine 1809 with a stop codon.
Molecular consequence: nonsense.
Genome position (GRCh38, 1-based): chr9:128,617,707, A>T. VCF-style: chr9-128617707-A-T. GRCh37 (hg19) VCF-style: chr9-131379986-A-T.
Other names: c.5350A>T, p.Lys1784Ter (NM_001195532.2); c.5425A>T, p.Lys1809Ter (NM_001363759.2, NM_001375310.1, NM_001375311.2 and 1 more transcripts); c.5365A>T, p.Lys1789Ter (NM_001363765.2, NM_001375314.2); c.5461A>T, p.Lys1821Ter (NM_001375312.2, NM_001375318.1); c.5410A>T, p.Lys1804Ter (NM_003127.4); short protein forms K1804*, K1809*, K1821*, K1789*, K1784*.
Identifiers: ClinVar variation 2746967 (VCV002746967.3), dbSNP rs2541940200, ClinGen allele CA375076206.

ClinVar aggregate classification (germline): Pathogenic (1 of 4 stars; one submission).

Conditions:
Early-infantile DEE. Also called: Early infantile epileptic encephalopathy with suppression bursts; Early infantile epileptic encephalopathy; Ohtahara syndrome. Identifiers: Orphanet 1934, MedGen C0393706, MONDO:0800491.

Submission:

Labcorp Genetics (formerly Invitae), Labcorp
Classification: Pathogenic for Early-infantile DEE. Last evaluated: 2025-03-17. Review status: criteria provided, single submitter. Criteria: Invitae Variant Classification Sherloc (09022015). Collection method: clinical testing. Allele origin: germline.
Comment: This sequence change creates a premature translational stop signal (p.Lys1809*) in the SPTAN1 gene. It is expected to result in an absent or disrupted protein product. Loss-of-function variants in SPTAN1 are known to be pathogenic (PMID: 31332438, 33206935). This variant is not present in population databases (gnomAD no frequency). This variant has not been reported in the literature in individuals affected with SPTAN1-related conditions. ClinVar contains an entry for this variant (Variation ID: 2746967). For these reasons, this variant has been classified as Pathogenic.

Literature cited by the submitters: PubMed 31332438; PubMed 33206935.